The following is an entry in ClinVar:

NM_033409.4(SLC52A3):c.1346C>G (p.Pro449Arg)

Gene: SLC52A3 (solute carrier family 52 member 3; minus strand). Cytogenetic location: 20p13.
Variant type: single nucleotide variant.
Coding change: c.1346C>G on transcript NM_033409.4 (MANE Select); coding-DNA position 1346, C replaced by G.
Protein change: p.Pro449Arg; replaces proline 449 with arginine.
Molecular consequence: missense variant.
Genome position (GRCh38, 1-based): chr20:761,090, G>C on the plus strand (C>G on the coding strand, the complement: SLC52A3 is on the minus strand). VCF-style: chr20-761090-G-C. GRCh37 (hg19) VCF-style: chr20-741734-G-C.
Other names: c.1346C>G, p.Pro449Arg (NM_001370085.1, NM_001370086.1); c.1346C>G (NM_033409.3); short protein forms P449R.
Identifiers: ClinVar variation 2786043 (VCV002786043.5), dbSNP rs1322154756, ClinGen allele CA407961830.

ClinVar aggregate classification (germline): Uncertain significance. Review status: criteria provided, multiple submitters, no conflicts (2 of 4 stars). 2 submissions from 2 submitters: Uncertain significance (2). Last evaluated 2024-07-01.

Conditions:
Brown-Vialetto-van Laere syndrome 1. Also called: BROWN-VIALETTO-VAN LAERE SYNDROME 1, MILD; BULBAR PALSY, PROGRESSIVE, WITH SENSORINEURAL DEAFNESS; PONTOBULBAR PALSY WITH DEAFNESS. Identifiers: Orphanet 572550, Orphanet 97229, MedGen C0796274, MONDO:0024537, OMIM 211530.
Inborn genetic diseases. Identifiers: MedGen C0950123, MeSH D030342.

gnomAD v4.1: 7 of 1,609,420 alleles (0.00043%); highest among the groups gnomAD compares: Non-Finnish European, 0.00051%; no homozygotes.

Submissions (2):

Ambry Genetics
Classification: Uncertain significance for Inborn genetic diseases. Last evaluated: 2024-07-01. Review status: criteria provided, single submitter. Criteria: Ambry Variant Classification Scheme 2023. Collection method: clinical testing. Allele origin: germline.
Comment: The c.1346C>G (p.P449R) alteration is located in exon 5 (coding exon 4) of the SLC52A3 gene. This alteration results from a C to G substitution at nucleotide position 1346, causing the proline (P) at amino acid position 449 to be replaced by an arginine (R). Based on data from gnomAD, the G allele has an overall frequency of <0.001% (1/236322) total alleles studied. The highest observed frequency was 0.001% (1/105830) of European (non-Finnish) alleles. This amino acid position is highly conserved in available vertebrate species. This alteration is predicted to be deleterious by in silico analysis. Based on insufficient or conflicting evidence, the clinical significance of this alteration remains unclear.

Labcorp Genetics (formerly Invitae), Labcorp
Classification: Uncertain significance for Brown-Vialetto-van Laere syndrome 1. Last evaluated: 2023-10-18. Review status: criteria provided, single submitter. Criteria: Invitae Variant Classification Sherloc (09022015). Collection method: clinical testing. Allele origin: germline.
Comment: This sequence change replaces proline, which is neutral and non-polar, with arginine, which is basic and polar, at codon 449 of the SLC52A3 protein (p.Pro449Arg). The frequency data for this variant in the population databases is considered unreliable, as metrics indicate poor data quality at this position in the gnomAD database. This variant has not been reported in the literature in individuals affected with SLC52A3-related conditions. Advanced modeling of protein sequence and biophysical properties (such as structural, functional, and spatial information, amino acid conservation, physicochemical variation, residue mobility, and thermodynamic stability) performed at Invitae indicates that this missense variant is not expected to disrupt SLC52A3 protein function. In summary, the available evidence is currently insufficient to determine the role of this variant in disease. Therefore, it has been classified as a Variant of Uncertain Significance.